The following is an entry in ClinVar:

NM_080680.3(COL11A2):c.2179G>A (p.Gly727Arg)

Gene: COL11A2 (collagen type XI alpha 2 chain; minus strand). Cytogenetic location: 6p21.32.
Variant type: single nucleotide variant.
Coding change: c.2179G>A on transcript NM_080680.3 (MANE Select); coding-DNA position 2179, G replaced by A.
Protein change: p.Gly727Arg; replaces glycine 727 with arginine.
Molecular consequence: missense variant.
Genome position (GRCh38, 1-based): chr6:33,176,294, C>T on the plus strand (G>A on the coding strand, the complement: COL11A2 is on the minus strand). VCF-style: chr6-33176294-C-T. GRCh37 (hg19) VCF-style: chr6-33144071-C-T.
Other names: c.1858G>A, p.Gly620Arg (NM_080679.3); c.1921G>A, p.Gly641Arg (NM_080681.3); c.2179G>A (NM_080680.2); short protein forms G727R, G641R, G620R.
Identifiers: ClinVar variation 1398032 (VCV001398032.11), dbSNP rs768569721, ClinGen allele CA3751011.

ClinVar aggregate classification (germline): Conflicting classifications of pathogenicity. Review status: criteria provided, conflicting classifications (1 of 4 stars). 6 submissions from 6 submitters: Likely pathogenic (1); Uncertain significance (5). Last evaluated 2024-05-07.

Conditions:
Inborn genetic diseases. Identifiers: MedGen C0950123, MeSH D030342.
Autosomal recessive nonsyndromic hearing loss 53. Identifiers: Orphanet 90636, MedGen C1864746, MONDO:0012333, OMIM 609706.
Autosomal dominant nonsyndromic hearing loss 13. Identifiers: Orphanet 90635, MedGen C1866095, MONDO:0011159, OMIM 601868.
Fibrochondrogenesis 2 (FBCG2). Identifiers: Orphanet 2021, MedGen C3281128, MONDO:0013795, OMIM 614524.
Otospondylomegaepiphyseal dysplasia, autosomal dominant (OSMEDA). Also called: Pierre Robin syndrome with fetal chondrodysplasia; COL11A2-Related Stickler Syndrome; Stickler syndrome, type 3. Identifiers: Orphanet 166100, Orphanet 3450, MedGen C1848488, MONDO:0008490, OMIM 184840.
Otospondylomegaepiphyseal dysplasia, autosomal recessive (OSMEDB). Also called: CHONDRODYSTROPHY WITH SENSORINEURAL DEAFNESS; Insley-Astley syndrome. Identifiers: Orphanet 1427, MedGen CN034493, MONDO:0044206, OMIM 215150.

Allele frequency attached by ClinVar (database versions not stated): gnomAD exomes below 0.00001 and 0.00001; TOPMed below 0.00001; ExAC 0.00001.
gnomAD v4.1: 4 of 1,606,666 alleles (0.00025%); highest among the groups gnomAD compares: Admixed American, 0.0034%; no homozygotes.

Submissions (6):

Fulgent Genetics
Classification: Likely pathogenic for Otospondylomegaepiphyseal dysplasia, autosomal dominant; Otospondylomegaepiphyseal dysplasia, autosomal recessive; Autosomal dominant nonsyndromic hearing loss 13; Autosomal recessive nonsyndromic hearing loss 53; Fibrochondrogenesis 2. Last evaluated: 2024-05-07. Review status: criteria provided, single submitter. Criteria: ACMG Guidelines, 2015. Collection method: clinical testing. Allele origin: germline.

Women's Health and Genetics/Laboratory Corporation of America, LabCorp
Classification: Uncertain significance. Last evaluated: 2024-05-03. Review status: criteria provided, single submitter. Criteria: LabCorp Variant Classification Summary - May 2015. Collection method: clinical testing. Allele origin: germline.
Comment: Variant summary: COL11A2 c.2179G>A (p.Gly727Arg) results in a non-conservative amino acid change in the encoded protein sequence. Five of five in-silico tools predict a damaging effect of the variant on protein function. The variant allele was found at a frequency of 8.5e-06 in 234528 control chromosomes. The available data on variant occurrences in the general population are insufficient to allow any conclusion about variant significance. To our knowledge, no occurrence of c.2179G>A in individuals affected with COL11A2-Related Disorders and no experimental evidence demonstrating its impact on protein function have been reported. ClinVar contains an entry for this variant (Variation ID: 1398032). Based on the evidence outlined above, the variant was classified as uncertain significance.

Labcorp Genetics (formerly Invitae), Labcorp
Classification: Uncertain significance. Last evaluated: 2024-02-23. Review status: criteria provided, single submitter. Criteria: Invitae Variant Classification Sherloc (09022015). Collection method: clinical testing. Allele origin: germline.
Comment: This sequence change replaces glycine, which is neutral and non-polar, with arginine, which is basic and polar, at codon 727 of the COL11A2 protein (p.Gly727Arg). The frequency data for this variant in the population databases is considered unreliable, as metrics indicate poor data quality at this position in the gnomAD database. This variant has not been reported in the literature in individuals affected with COL11A2-related conditions. ClinVar contains an entry for this variant (Variation ID: 1398032). Advanced modeling of protein sequence and biophysical properties (such as structural, functional, and spatial information, amino acid conservation, physicochemical variation, residue mobility, and thermodynamic stability) performed at Invitae indicates that this missense variant is expected to disrupt COL11A2 protein function with a positive predictive value of 95%. In summary, the available evidence is currently insufficient to determine the role of this variant in disease. Therefore, it has been classified as a Variant of Uncertain Significance.

Ambry Genetics
Classification: Uncertain significance for Inborn genetic diseases. Last evaluated: 2023-07-05. Review status: criteria provided, single submitter. Criteria: Ambry Variant Classification Scheme 2023. Collection method: clinical testing. Allele origin: germline.

GeneDx
Classification: Uncertain significance. Last evaluated: 2023-01-24. Review status: criteria provided, single submitter. Criteria: GeneDx Variant Classification Process June 2021. Collection method: clinical testing. Allele origin: germline. Affected: yes.
Comment: Not observed at significant frequency in large population cohorts (gnomAD); In silico analysis supports that this missense variant has a deleterious effect on protein structure/function; Has not been previously published as pathogenic or benign to our knowledge

Blueprint Genetics
Classification: Uncertain significance. Last evaluated: 2020-08-12. Review status: criteria provided, single submitter. Criteria: ACMG Guidelines, 2015. Collection method: clinical testing. Allele origin: germline.